The following is an entry in ClinVar:

NM_170665.4(ATP2A2):c.-500T>C

Genes: ATP2A2 (ATPase sarcoplasmic/endoplasmic reticulum Ca2+ transporting 2; plus strand), LOC130008738 (ATAC-STARR-seq lymphoblastoid silent region 4854; plus strand). Cytogenetic location: 12q24.11.
Variant type: single nucleotide variant.
Coding change: c.-500T>C on transcript NM_170665.4 (MANE Select); 500 bases upstream of the start codon, T replaced by C.
Molecular consequence: 5 prime UTR variant.
Genome position (GRCh38, 1-based): chr12:110,281,290, T>C. VCF-style: chr12-110281290-T-C. GRCh37 (hg19) VCF-style: chr12-110719095-T-C.
Other names: c.-500T>C (NM_001681.4).
Identifiers: ClinVar variation 307146 (VCV000307146.5), dbSNP rs550888717, ClinGen allele CA10640904.
Genomic context (GRCh38, chr12:110,281,290, plus strand): 5'-AGCGGCCGATAAATGCTATTAGAGCAGCCGCCGCGGAGCCGTCCCCGACGCCACCTCCTT[T>C]TCCTTCGCCGCAGTTTCCTCCGCCGCTGTCGGGCGTGCGGCGCTGAGGGACCCGGGCGAG-3'

ClinVar aggregate classification (germline): Benign (1 of 4 stars; one submission).

Conditions:
Keratosis follicularis (DAR). Also called: Darier disease; Darier's disease. Identifiers: Orphanet 218, MedGen C0022595, MONDO:0007417, OMIM 124200.

Allele frequency attached by ClinVar (database versions not stated): 1000 Genomes Project 0.00499; 1000 Genomes Project 30x 0.00500; TOPMed 0.00732; gnomAD 0.00816 and 0.00830.

Submission:

Illumina Laboratory Services, Illumina
Classification: Benign for Keratosis follicularis. Last evaluated: 2018-01-12. Review status: criteria provided, single submitter. Criteria: ICSL Variant Classification Criteria 13 December 2019. Collection method: clinical testing. Allele origin: germline.
Comment: This variant was observed in the ICSL laboratory as part of a predisposition screen in an ostensibly healthy population. It had not been previously curated by ICSL or reported in the Human Gene Mutation Database (HGMD: prior to June 1st, 2018), and was therefore a candidate for classification through an automated scoring system. Utilizing variant allele frequency, disease prevalence and penetrance estimates, and inheritance mode, an automated score was calculated to assess if this variant is too frequent to cause the disease. Based on the score and internal cut-off values, a variant classified as benign is not then subjected to further curation. The score for this variant resulted in a classification of benign for this disease.